The following is an entry in ClinVar:

ClinVar aggregate classification (germline): Conflicting classifications of pathogenicity. Review status: criteria provided, conflicting classifications (1 of 4 stars). 5 submissions from 5 submitters: Uncertain significance (3); Likely benign (1). 1 of the submissions does not count toward it. Last evaluated 2026-01-17.

Allele frequency attached by ClinVar (database versions not stated): 1000 Genomes Project 30x 0.00187; gnomAD exomes 0.00007 and 0.00016; ExAC 0.00021; ESP Exome Variant Server 0.00062; 1000 Genomes Project 0.00120; TOPMed 0.00068.

Submissions (5):

Labcorp Genetics (formerly Invitae), Labcorp
Classification: Likely benign. Last evaluated: 2026-01-17. Review status: criteria provided, single submitter. Criteria: Invitae Variant Classification Sherloc (09022015). Collection method: clinical testing. Allele origin: germline.

GeneDx
Classification: Uncertain significance. Last evaluated: 2022-06-16. Review status: criteria provided, single submitter. Criteria: GeneDx Variant Classification Process June 2021. Collection method: clinical testing. Allele origin: germline. Affected: yes.
Comment: In silico analysis supports that this missense variant does not alter protein structure/function; Has not been previously published as pathogenic or benign to our knowledge

Genetic Services Laboratory, University of Chicago
Classification: Uncertain significance. Last evaluated: 2015-03-31. Review status: criteria provided, single submitter. Criteria: ACMG Guidelines, 2015. Collection method: clinical testing. Allele origin: germline.

Breakthrough Genomics
Classification: Uncertain significance. Review status: criteria provided, single submitter. Criteria: ACMG Guidelines, 2015. Collection method: not provided. Allele origin: germline. Inheritance: Autosomal recessive inheritance. Affected: yes.

ITMI
No classification provided. Condition: AllHighlyPenetrant. Last evaluated: 2013-09-19. Review status: no classification provided. Collection method: reference population. Allele origin: germline. Not counted in ClinVar's aggregate classification.
Comment: Please see associated publication for description of ethnicities

Literature cited by the submitters: PubMed 24728327 (cited by ITMI).

NM_000123.4(ERCC5):c.1711C>T (p.Pro571Ser)

Genes: BIVM-ERCC5 (BIVM-ERCC5 readthrough; plus strand), ERCC5 (ERCC excision repair 5, endonuclease; plus strand). Cytogenetic location: 13q33.1.
Variant type: single nucleotide variant.
Coding change: c.1711C>T on transcript NM_000123.4 (MANE Select); coding-DNA position 1711, C replaced by T.
Protein change: p.Pro571Ser; replaces proline 571 with serine.
Molecular consequence: missense variant.
Genome position (GRCh38, 1-based): chr13:102,862,860, C>T. VCF-style: chr13-102862860-C-T. GRCh37 (hg19) VCF-style: chr13-103515210-C-T.
Other names: c.3073C>T, p.Pro1025Ser (NM_001204425.2); short protein forms P571S, P1025S.
Identifiers: ClinVar variation 134190 (VCV000134190.12), dbSNP rs141763734, ClinGen allele CA159062.